The following is an entry in ClinVar:

NM_001042492.3(NF1):c.8074del (p.Glu2692fs)

Gene: NF1 (neurofibromin 1; plus strand). Cytogenetic location: 17q11.2.
Variant type: Deletion.
Coding change: c.8074del on transcript NM_001042492.3 (MANE Select); coding-DNA position 8074, one base deleted (G; older notation c.8074delG).
Protein change: p.Glu2692fs; shifts the reading frame from glutamic acid 2692.
Molecular consequence: frameshift variant.
Genome position (GRCh38, 1-based): chr17:31,358,583, G deleted. VCF-style (leftmost placement, unchanged base first): chr17-31358582-TG-T. GRCh37 (hg19) VCF-style: chr17-29685600-TG-T.
Other names: c.8011delG, p.Glu2671Lysfs (NM_000267.4); short protein forms E2692fs, E2671fs.
Identifiers: ClinVar variation 849177 (VCV000849177.6), dbSNP rs2070327979, ClinGen allele CA916080686.

ClinVar aggregate classification (germline): Pathogenic (1 of 4 stars; one submission).

Conditions:
Neurofibromatosis, type 1 (NF1). Also called: Neurofibromatosis, type I; VON RECKLINGHAUSEN DISEASE; Peripheral type neurofibromatosis; NEUROFIBROMATOSIS, TYPE I, SOMATIC. Identifiers: Orphanet 636, MedGen C0027831, MONDO:0018975, OMIM 162200. Disease mechanism: loss of function.

Submission:

Labcorp Genetics (formerly Invitae), Labcorp
Classification: Pathogenic for Neurofibromatosis, type 1. Last evaluated: 2019-05-22. Review status: criteria provided, single submitter. Criteria: Invitae Variant Classification Sherloc (09022015). Collection method: clinical testing. Allele origin: germline.
Comment: For these reasons, this variant has been classified as Pathogenic. Loss-of-function variants in NF1 are known to be pathogenic (PMID: 10712197, 23913538). This variant has not been reported in the literature in individuals with NF1-related conditions. This variant is not present in population databases (ExAC no frequency). This sequence change creates a premature translational stop signal (p.Glu2671Lysfs*47) in the NF1 gene. It is expected to result in an absent or disrupted protein product.

Literature cited by the submitters: PubMed 10712197; PubMed 23913538.